The following is an entry in ClinVar:

ClinVar aggregate classification (germline): Pathogenic (1 of 4 stars; one submission).

Submission:

Labcorp Genetics (formerly Invitae), Labcorp
Classification: Pathogenic. Last evaluated: 2021-12-18. Review status: criteria provided, single submitter. Criteria: Invitae Variant Classification Sherloc (09022015). Collection method: clinical testing. Allele origin: germline.
Comment: This sequence change creates a premature translational stop signal (p.Pro145Glyfs*4) in the HJV gene. It is expected to result in an absent or disrupted protein product. Loss-of-function variants in HJV are known to be pathogenic (PMID: 20301349, 22408404). For these reasons, this variant has been classified as Pathogenic. This variant has not been reported in the literature in individuals affected with HJV-related conditions. This variant is not present in population databases (gnomAD no frequency).

Literature cited by the submitters: PubMed 20301349; PubMed 22408404.

NM_213653.4(HJV):c.433_434del (p.Pro145fs)

Gene: HJV (hemojuvelin BMP co-receptor; minus strand). Cytogenetic location: 1q21.1.
Variant type: Deletion.
Coding change: c.433_434del on transcript NM_213653.4 (MANE Select); coding-DNA positions 433 to 434, 2 bases deleted (CC; older notation c.433_434delCC).
Protein change: p.Pro145fs; shifts the reading frame from proline 145.
Molecular consequence: frameshift variant. On other transcripts: intron variant (3).
Genome position (GRCh38, 1-based): chr1:146,019,398-146,019,399, GG deleted on the plus strand (CC on the coding strand, the reverse complement: HJV is on the minus strand); deleting any 2 consecutive bases within chr1:146,019,398-146,019,401 gives the same sequence; the c. name uses the placement nearest the transcript's 3' end. VCF-style (leftmost placement, unchanged base first): chr1-146019397-CGG-C. GRCh37 (hg19) VCF-style: chr1-145415611-GCC-G.
Other names: c.433_434del, p.Pro145fs (NM_001379352.1); c.94_95del, p.Pro32fs (NM_145277.5); c.-21-699_-21-698del (NM_213652.4); c.-22+299_-22+300del (NM_202004.4, NM_001316767.2); short protein forms P145fs, P32fs.
Identifiers: ClinVar variation 2045832 (VCV002045832.4), dbSNP rs1332315688, ClinGen allele CA2580060940.